The following is an entry in ClinVar:

NM_000264.5(PTCH1):c.111_114delinsTGT (p.Gly38fs)

Genes: PTCH1 (patched 1; minus strand), LOC130002133 (ATAC-STARR-seq lymphoblastoid silent region 20071; plus strand). Cytogenetic location: 9q22.32.
Variant type: Indel.
Coding change: c.111_114delinsTGT on transcript NM_000264.5 (MANE Select); coding-DNA positions 111 to 114, GGGG replaced by TGT.
Protein change: p.Gly38fs; shifts the reading frame from glycine 38.
Molecular consequence: frameshift variant. On other transcripts: non-coding transcript variant (1), intron variant (3).
Genome position (GRCh38, 1-based): chr9:95,508,248-95,508,251, CCCC replaced by ACA on the plus strand (GGGG replaced by TGT on the coding strand, the reverse complement: PTCH1 is on the minus strand). VCF-style: chr9-95508248-CCCC-ACA. GRCh37 (hg19) VCF-style: chr9-98270530-CCCC-ACA.
Other names: c.111_114delinsTGT, p.Gly38fs (NM_001354918.2); c.199-1652_199-1649delinsTGT (NM_001083603.3); c.4-1652_4-1649delinsTGT (NM_001083602.3, NM_001354919.2); short protein forms G38fs.
Identifiers: ClinVar variation 3899378 (VCV003899378.2).

ClinVar aggregate classification (germline): Likely pathogenic (1 of 4 stars; one submission).

Conditions:
Basal cell nevus syndrome 1 (BCNS1). Also called: GORLIN-GOLTZ SYNDROME; MULTIPLE BASAL CELL NEVI, ODONTOGENIC KERATOCYSTS, AND SKELETAL ANOMALIES. Identifiers: MedGen CN376810, MONDO:0958174, OMIM 109400.

Submission:

Juno Genomics, Hangzhou Juno Genomics, Inc
Classification: Likely pathogenic for Basal cell nevus syndrome 1. Review status: criteria provided, single submitter. Criteria: ACMG Guidelines, 2015. Collection method: clinical testing. Allele origin: germline. Affected: yes.
Comment: Absent from controls (or at extremely low frequency if recessive) in Genome Aggregation Database, Exome Sequencing Project, 1000 Genomes Project, or Exome Aggregation Consortium.;Null variant in a gene where loss of function (LOF) is a known mechanism of disease.